The following is an entry in ClinVar:

ClinVar aggregate classification (germline): Uncertain significance (1 of 4 stars; one submission).

Submission:

Labcorp Genetics (formerly Invitae), Labcorp
Classification: Uncertain significance. Last evaluated: 2022-11-23. Review status: criteria provided, single submitter. Criteria: Invitae Variant Classification Sherloc (09022015). Collection method: clinical testing. Allele origin: germline.
Comment: In summary, the available evidence is currently insufficient to determine the role of this variant in disease. Therefore, it has been classified as a Variant of Uncertain Significance. Advanced modeling of protein sequence and biophysical properties (such as structural, functional, and spatial information, amino acid conservation, physicochemical variation, residue mobility, and thermodynamic stability) performed at Invitae indicates that this missense variant is not expected to disrupt KL protein function. This variant has not been reported in the literature in individuals affected with KL-related conditions. This variant is not present in population databases (gnomAD no frequency). This sequence change replaces proline, which is neutral and non-polar, with threonine, which is neutral and polar, at codon 490 of the KL protein (p.Pro490Thr).

NM_004795.4(KL):c.1468C>A (p.Pro490Thr)

Gene: KL (klotho; plus strand). Cytogenetic location: 13q13.1.
Variant type: single nucleotide variant.
Coding change: c.1468C>A on transcript NM_004795.4 (MANE Select); coding-DNA position 1468, C replaced by A.
Protein change: p.Pro490Thr; replaces proline 490 with threonine.
Molecular consequence: missense variant.
Genome position (GRCh38, 1-based): chr13:33,055,184, C>A. VCF-style: chr13-33055184-C-A. GRCh37 (hg19) VCF-style: chr13-33629321-C-A.
Other names: short protein forms P490T.
Identifiers: ClinVar variation 2815929 (VCV002815929.3), dbSNP rs1871911239, ClinGen allele CA387792501.